The following is an entry in ClinVar:

ClinVar aggregate classification (germline): Benign/Likely benign. Review status: criteria provided, multiple submitters, no conflicts (2 of 4 stars). 16 submissions from 13 submitters: Benign (12); Likely benign (4). Last evaluated 2026-09-01.

Conditions:
Cardiovascular phenotype. Identifiers: MedGen CN230736.
Ehlers-Danlos syndrome (EDS). Identifiers: Orphanet 98249, MedGen C0013720, MONDO:0020066.
Infantile cortical hyperostosis. Also called: P1PK BLOOD GROUP SYSTEM, P(2) PHENOTYPE; Caffey Disease; Hyperostosis, Cortical, Congenital. Identifiers: Orphanet 1310, MedGen C0020497, MONDO:0007244, OMIM 114000.
Osteogenesis imperfecta type I (OI1). Also called: Osteogenesis imperfecta type 1; Classic Non-deforming Osteogenesis Imperfecta with Blue Sclerae; Lobstein's Disease; OI, TYPE I; OSTEOGENESIS IMPERFECTA TARDA; OSTEOGENESIS IMPERFECTA WITH BLUE SCLERAE. Identifiers: Orphanet 216796, Orphanet 666, MedGen C0023931, MONDO:0008146, OMIM 166200. Disease mechanism: loss of function.
Osteogenesis imperfecta (OI). Identifiers: Orphanet 666, MedGen C0029434, MeSH D010013, MONDO:0019019.
Ehlers-Danlos syndrome, arthrochalasia type. Also called: Ehlers-Danlos syndrome, arthrochalasis type; Ehlers-Danlos syndrome, arthrochalasia type, 1; ARTHROCHALASIS MULTIPLEX CONGENITA; EDS VII, MUTANT PROCOLLAGEN TYPE; EDS VIIA. Identifiers: Orphanet 1899, Orphanet 99875, Orphanet 99876, MedGen C4551623, MONDO:0007525, OMIM 130060.

Allele frequency attached by ClinVar (database versions not stated): gnomAD 0.00788 and 0.00793; 1000 Genomes Project 0.00799; ExAC 0.00800; TOPMed 0.00849; ESP Exome Variant Server 0.00869; 1000 Genomes Project 30x 0.00906; gnomAD exomes 0.00755 and 0.00779.
gnomAD v4.1: 12,617 of 1,614,064 alleles (0.78%); highest among the groups gnomAD compares: Middle Eastern, 1.1%; 74 homozygotes.

Submissions (16):

CeGaT Center for Human Genetics Tuebingen
Classification: Likely benign. Last evaluated: 2026-09-01. Review status: criteria provided, single submitter. Criteria: CeGaT Center For Human Genetics Tuebingen Variant Classification Criteria Version 2. Collection method: clinical testing. Allele origin: germline. Affected: yes. Observed: 55 variant alleles.
Comment: COL1A1: BP4, BP7, BS2

Labcorp Genetics (formerly Invitae), Labcorp
Classification: Benign for Osteogenesis imperfecta type I. Last evaluated: 2026-02-03. Review status: criteria provided, single submitter. Criteria: Invitae Variant Classification Sherloc (09022015). Collection method: clinical testing. Allele origin: germline.

ARUP Laboratories, Molecular Genetics and Genomics, ARUP Laboratories
Classification: Benign. Last evaluated: 2025-07-25. Review status: criteria provided, single submitter. Criteria: ARUP Molecular Germline Variant Investigation Process 2024. Collection method: clinical testing. Allele origin: germline.

Molecular Diagnostic Laboratory for Inherited Cardiovascular Disease, Montreal Heart Institute
Classification: Benign. Last evaluated: 2025-04-09. Review status: criteria provided, single submitter. Criteria: ACMG Guidelines, 2015. Collection method: clinical testing. Allele origin: germline. Affected: no.

Athena Diagnostics
Classification: Benign. Last evaluated: 2025-02-04. Review status: criteria provided, single submitter. Criteria: Athena Diagnostics Criteria. Collection method: clinical testing. Allele origin: unknown.
Comment: The frequency of this variant in the general population is higher than would generally be expected for pathogenic variants in this gene.

Blueprint Genetics
Classification: Likely benign. Last evaluated: 2024-11-27. Review status: criteria provided, single submitter. Criteria: ACMG Guidelines, 2015. Collection method: clinical testing. Allele origin: germline.

Genome Diagnostics Laboratory, The Hospital for Sick Children
Classification: Benign for Ehlers-Danlos syndrome. Last evaluated: 2022-06-10. Review status: criteria provided, single submitter. Criteria: ACMG Guidelines, 2015. Collection method: clinical testing. Allele origin: germline.

Genome Diagnostics Laboratory, The Hospital for Sick Children
Classification: Benign for Osteogenesis imperfecta. Last evaluated: 2021-01-22. Review status: criteria provided, single submitter. Criteria: ACMG Guidelines, 2015. Collection method: clinical testing. Allele origin: germline.

Mayo Clinic Laboratories, Mayo Clinic
Classification: Benign. Last evaluated: 2019-04-17. Review status: criteria provided, single submitter. Criteria: ACMG Guidelines, 2015. Collection method: clinical testing. Allele origin: germline. Observed: 83 variant alleles.

Ambry Genetics
Classification: Benign for Cardiovascular phenotype. Last evaluated: 2019-03-01. Review status: criteria provided, single submitter. Criteria: Ambry Variant Classification Scheme 2023. Collection method: clinical testing. Allele origin: germline.

Illumina Laboratory Services, Illumina
Classification: Likely benign for Infantile cortical hyperostosis. Last evaluated: 2018-01-13. Review status: criteria provided, single submitter. Criteria: ICSL Variant Classification Criteria 13 December 2019. Collection method: clinical testing. Allele origin: germline.
Comment: This variant was observed in the ICSL laboratory as part of a predisposition screen in an ostensibly healthy population. It had not been previously curated by ICSL or reported in the Human Gene Mutation Database (HGMD: prior to June 1st, 2018), and was therefore a candidate for classification through an automated scoring system. Utilizing variant allele frequency, disease prevalence and penetrance estimates, and inheritance mode, an automated score was calculated to assess if this variant is too frequent to cause the disease. Based on the score and internal cut-off values, a variant classified as likely benign is not then subjected to further curation. The score for this variant resulted in a classification of likely benign for this disease.

Illumina Laboratory Services, Illumina
Classification: Benign for Osteogenesis imperfecta. Last evaluated: 2018-01-13. Review status: criteria provided, single submitter. Criteria: ICSL Variant Classification Criteria 13 December 2019. Collection method: clinical testing. Allele origin: germline.
Comment: This variant was observed in the ICSL laboratory as part of a predisposition screen in an ostensibly healthy population. It had not been previously curated by ICSL or reported in the Human Gene Mutation Database (HGMD: prior to June 1st, 2018), and was therefore a candidate for classification through an automated scoring system. Utilizing variant allele frequency, disease prevalence and penetrance estimates, and inheritance mode, an automated score was calculated to assess if this variant is too frequent to cause the disease. Based on the score and internal cut-off values, a variant classified as benign is not then subjected to further curation. The score for this variant resulted in a classification of benign for this disease.

Illumina Laboratory Services, Illumina
Classification: Benign for Ehlers-Danlos syndrome, arthrochalasia type. Last evaluated: 2018-01-13. Review status: criteria provided, single submitter. Criteria: ICSL Variant Classification Criteria 13 December 2019. Collection method: clinical testing. Allele origin: germline.
Comment: the same text as in the submission from Illumina Laboratory Services, Illumina above.

GeneDx
Classification: Benign. Last evaluated: 2016-11-04. Review status: criteria provided, single submitter. Criteria: GeneDx Variant Classification (06012015). Collection method: clinical testing. Allele origin: germline. Affected: yes.
Comment: This variant is considered likely benign or benign based on one or more of the following criteria: it is a conservative change, it occurs at a poorly conserved position in the protein, it is predicted to be benign by multiple in silico algorithms, and/or has population frequency not consistent with disease.

Eurofins Ntd Llc (ga)
Classification: Benign. Last evaluated: 2016-06-27. Review status: criteria provided, single submitter. Criteria: EGL Classification Definitions 2015. Collection method: clinical testing. Allele origin: germline. Observed: 1 variant allele, 1 heterozygote.

Breakthrough Genomics
Classification: Likely benign. Review status: criteria provided, single submitter. Criteria: ACMG Guidelines, 2015. Collection method: not provided. Allele origin: germline. Inheritance: Autosomal dominant inheritance. Affected: yes.

Literature cited by the submitters: PubMed 18996919 (cited by Athena Diagnostics); PubMed 11090261 (cited by Athena Diagnostics).

NM_000088.4(COL1A1):c.1803C>T (p.Pro601=)

Gene: COL1A1 (collagen type I alpha 1 chain; minus strand). Cytogenetic location: 17q21.33.
Variant type: single nucleotide variant.
Coding change: c.1803C>T on transcript NM_000088.4 (MANE Select); coding-DNA position 1803, C replaced by T.
Protein change: p.Pro601=; no amino-acid change (proline 601 retained).
Molecular consequence: synonymous variant.
Genome position (GRCh38, 1-based): chr17:50,193,012, G>A on the plus strand (C>T on the coding strand, the complement: COL1A1 is on the minus strand). VCF-style: chr17-50193012-G-A. GRCh37 (hg19) VCF-style: chr17-48270373-G-A.
Other names: p.Pro601=.
Identifiers: ClinVar variation 289176 (VCV000289176.69), dbSNP rs148275339, ClinGen allele CA8645098.
Genomic context (GRCh38, chr17:50,193,012, plus strand): 5'-GCAGCAATGGGAAGGAGGTAGGGATGGAAAGGAGATACTTACGACAGCGCCAGGGGGTCC[G>A]GGAACACCTCGCTCTCCAGCCTTGCCGGGCTCTCCCTGTGGAGAAAGGGAGTTAGGGTTG-3'
Protein context (NP_000079.2, residues 591-611): EPGKAGERGV[Pro601=]GPPGAVGPAG